The following is an entry in ClinVar:

NM_003680.4(YARS1):c.*386G>T

Gene: YARS1 (tyrosyl-tRNA synthetase 1; minus strand). Cytogenetic location: 1p35.1.
Variant type: single nucleotide variant.
Coding change: c.*386G>T on transcript NM_003680.4 (MANE Select); 386 bases downstream of the stop codon, G replaced by T.
Molecular consequence: 3 prime UTR variant.
Genome position (GRCh38, 1-based): chr1:32,775,595, C>A on the plus strand (G>T on the coding strand, the complement: YARS1 is on the minus strand). VCF-style: chr1-32775595-C-A. GRCh37 (hg19) VCF-style: chr1-33241196-C-A.
Identifiers: ClinVar variation 297141 (VCV000297141.5), dbSNP rs144131403, ClinGen allele CA10610915.

ClinVar aggregate classification (germline): Benign (1 of 4 stars; one submission).

Conditions:
Charcot-Marie-Tooth disease dominant intermediate C (CMTDIC). Also called: CHARCOT-MARIE-TOOTH NEUROPATHY, DOMINANT INTERMEDIATE C. Identifiers: Orphanet 100045, MedGen C1842237, MONDO:0012012, OMIM 608323.

Allele frequency attached by ClinVar (database versions not stated): gnomAD 0.00053 and 0.00073; gnomAD exomes 0.00082; TOPMed 0.00088; 1000 Genomes Project 30x 0.00281; 1000 Genomes Project 0.00319.
gnomAD v4.1: 172 of 228,518 alleles (0.075%); highest among the groups gnomAD compares: East Asian, 1.5%; no homozygotes.

Submission:

Illumina Laboratory Services, Illumina
Classification: Benign for Charcot-Marie-Tooth disease dominant intermediate C. Last evaluated: 2018-01-13. Review status: criteria provided, single submitter. Criteria: ICSL Variant Classification Criteria 13 December 2019. Collection method: clinical testing. Allele origin: germline.
Comment: This variant was observed in the ICSL laboratory as part of a predisposition screen in an ostensibly healthy population. It had not been previously curated by ICSL or reported in the Human Gene Mutation Database (HGMD: prior to June 1st, 2018), and was therefore a candidate for classification through an automated scoring system. Utilizing variant allele frequency, disease prevalence and penetrance estimates, and inheritance mode, an automated score was calculated to assess if this variant is too frequent to cause the disease. Based on the score and internal cut-off values, a variant classified as benign is not then subjected to further curation. The score for this variant resulted in a classification of benign for this disease.